The following is an entry in ClinVar:

ClinVar aggregate classification (germline): Pathogenic (1 of 4 stars; one submission).

Conditions:
Cone-rod dystrophy 13 (CORD13). Identifiers: Orphanet 1872, MedGen C2750720, MONDO:0011987, OMIM 608194.
Leber congenital amaurosis 6 (LCA6). Identifiers: Orphanet 65, MedGen C1854260, MONDO:0013446, OMIM 613826.

Submission:

Labcorp Genetics (formerly Invitae), Labcorp
Classification: Pathogenic for Leber congenital amaurosis 6; Cone-rod dystrophy 13. Last evaluated: 2019-08-14. Review status: criteria provided, single submitter. Criteria: Invitae Variant Classification Sherloc (09022015). Collection method: clinical testing. Allele origin: germline.
Comment: This variant has not been reported in the literature in individuals with RPGRIP1-related conditions. For these reasons, this variant has been classified as Pathogenic. Loss-of-function variants in RPGRIP1 are known to be pathogenic (PMID: 11528500, 23105016). This variant is not present in population databases (ExAC no frequency). This sequence change creates a premature translational stop signal (p.Pro174Leufs*16) in the RPGRIP1 gene. It is expected to result in an absent or disrupted protein product.

Literature cited by the submitters: PubMed 11528500; PubMed 23105016.

NM_020366.4(RPGRIP1):c.521del (p.Pro174fs)

Gene: RPGRIP1 (RPGR interacting protein 1; plus strand). Cytogenetic location: 14q11.2.
Variant type: Deletion.
Coding change: c.521del on transcript NM_020366.4 (MANE Select); coding-DNA position 521, one base deleted (C; older notation c.521delC).
Protein change: p.Pro174fs; shifts the reading frame from proline 174.
Molecular consequence: frameshift variant.
Genome position (GRCh38, 1-based): chr14:21,302,518, C deleted; the last of 4 consecutive C bases (chr14:21,302,515-21,302,518); deleting any one gives the same sequence. VCF-style (leftmost placement, unchanged base first): chr14-21302514-GC-G. GRCh37 (hg19) VCF-style: chr14-21770673-GC-G.
Other names: short protein forms P174fs.
Identifiers: ClinVar variation 963824 (VCV000963824.7), dbSNP rs1881077003, ClinGen allele CA1139663353.